The following is an entry in ClinVar:

ClinVar aggregate classification (germline): Uncertain significance (1 of 4 stars; one submission).

Conditions:
Neurofibromatosis, type 1 (NF1). Also called: Peripheral type neurofibromatosis; Neurofibromatosis, type I; VON RECKLINGHAUSEN DISEASE; NEUROFIBROMATOSIS, TYPE I, SOMATIC. Identifiers: Orphanet 636, MedGen C0027831, MONDO:0018975, OMIM 162200. Disease mechanism: loss of function.

Submission:

Labcorp Genetics (formerly Invitae), Labcorp
Classification: Uncertain significance for Neurofibromatosis, type 1. Last evaluated: 2019-07-24. Review status: criteria provided, single submitter. Criteria: Invitae Variant Classification Sherloc (09022015). Collection method: clinical testing. Allele origin: germline.
Comment: Algorithms developed to predict the effect of missense changes on protein structure and function (SIFT, PolyPhen-2, Align-GVGD) all suggest that this variant is likely to be tolerated, but these predictions have not been confirmed by published functional studies and their clinical significance is uncertain. In summary, the available evidence is currently insufficient to determine the role of this variant in disease. Therefore, it has been classified as a Variant of Uncertain Significance. This variant has not been reported in the literature in individuals with NF1-related conditions. This variant is not present in population databases (ExAC no frequency). This sequence change replaces alanine with threonine at codon 1711 of the NF1 protein (p.Ala1711Thr). The alanine residue is moderately conserved and there is a small physicochemical difference between alanine and threonine.

NM_001042492.3(NF1):c.5194G>A (p.Ala1732Thr)

Gene: NF1 (neurofibromin 1; plus strand). Cytogenetic location: 17q11.2.
Variant type: single nucleotide variant.
Coding change: c.5194G>A on transcript NM_001042492.3 (MANE Select); coding-DNA position 5194, G replaced by A.
Protein change: p.Ala1732Thr; replaces alanine 1732 with threonine.
Molecular consequence: missense variant.
Genome position (GRCh38, 1-based): chr17:31,326,178, G>A. VCF-style: chr17-31326178-G-A. GRCh37 (hg19) VCF-style: chr17-29653196-G-A.
Other names: c.5131G>A, p.Ala1711Thr (NM_000267.4); short protein forms A1711T, A1732T.
Identifiers: ClinVar variation 943103 (VCV000943103.6), dbSNP rs2069336671, ClinGen allele CA399008030.
Genomic context (GRCh38, chr17:31,326,178, plus strand): 5'-CCTGGGAAACTGGCTGAGCACATAGAGCATGAACAACAGAAACTACCTGCTGCCACCTTG[G>A]CTTTAGAAGAGGACCTGAAGGTATTCCACAATGCTCTCAAGCTAGCTCACAAAGACACCA-3'
Protein context (NP_001035957.1, residues 1722-1742): EQQKLPAATL[Ala1732Thr]LEEDLKVFHN